The following is an entry in ClinVar:

NM_001371279.1(REEP1):c.105T>C (p.Tyr35=)

Gene: REEP1 (receptor accessory protein 1; minus strand). Cytogenetic location: 2p11.2.
Variant type: single nucleotide variant.
Coding change: c.105T>C on transcript NM_001371279.1 (MANE Select); coding-DNA position 105, T replaced by C.
Protein change: p.Tyr35=; no amino-acid change (tyrosine 35 retained).
Molecular consequence: synonymous variant. On other transcripts: intron variant (1).
Genome position (GRCh38, 1-based): chr2:86,282,170, A>G on the plus strand (T>C on the coding strand, the complement: REEP1 is on the minus strand). VCF-style: chr2-86282170-A-G. GRCh37 (hg19) VCF-style: chr2-86509293-A-G.
Other names: c.126T>C, p.Tyr42= (NM_001164730.2); c.105T>C, p.Tyr35= (NM_001164732.2, NM_001371280.1, NM_001410855.1 and 2 more transcripts); c.25-18129T>C (NM_001164731.2).
Identifiers: ClinVar variation 4707965 (VCV004707965.1).

ClinVar aggregate classification (germline): Uncertain significance (1 of 4 stars; one submission).

Conditions:
Hereditary spastic paraplegia 31. Also called: SPASTIC PARAPLEGIA 31, AUTOSOMAL DOMINANT. Identifiers: Orphanet 101011, MedGen C1853247, MONDO:0012453, OMIM 610250.

Submission:

Labcorp Genetics (formerly Invitae), Labcorp
Classification: Uncertain significance for Hereditary spastic paraplegia 31. Last evaluated: 2025-05-05. Review status: criteria provided, single submitter. Criteria: Invitae Variant Classification Sherloc (09022015). Collection method: clinical testing. Allele origin: germline.
Comment: This sequence change affects codon 35 of the REEP1 mRNA. It is a 'silent' change, meaning that it does not change the encoded amino acid sequence of the REEP1 protein. It affects a nucleotide within the consensus splice site. This variant is not present in population databases (gnomAD no frequency). This variant has not been reported in the literature in individuals affected with REEP1-related conditions. Algorithms developed to predict the effect of sequence changes on RNA splicing suggest that this variant is not likely to affect RNA splicing. In summary, the available evidence is currently insufficient to determine the role of this variant in disease. Therefore, it has been classified as a Variant of Uncertain Significance.